The following is an entry in ClinVar:

NM_000051.4(ATM):c.6583_6584dup (p.Arg2196fs)

Genes: ATM (ATM serine/threonine kinase; plus strand), C11orf65 (chromosome 11 open reading frame 65; minus strand). Cytogenetic location: 11q22.3.
Variant type: Microsatellite.
Coding change: c.6583_6584dup on transcript NM_000051.4 (MANE Select); coding-DNA positions 6583 to 6584, 2 bases duplicated (CA; older notation c.6583_6584dupCA).
Protein change: p.Arg2196fs; shifts the reading frame from arginine 2196.
Molecular consequence: frameshift variant. On other transcripts: intron variant (2).
Genome position (GRCh38, 1-based): chr11:108,325,320-108,325,321, CA duplicated; duplicating any 2 consecutive bases within chr11:108,325,316-108,325,321 gives the same sequence; the c. name uses the placement nearest the transcript's 3' end. VCF-style (leftmost placement, unchanged base first): chr11-108325315-T-TCA. GRCh37 (hg19) VCF-style: chr11-108196042-T-TCA.
Other names: c.6583_6584dupCA (NM_000051.3); c.6583_6584dup, p.Arg2196fs (NM_001351834.2); c.641-16250TG[4] (NM_001330368.2); c.*38+9899TG[4] (NM_001351110.2); short protein forms R2196fs.
Identifiers: ClinVar variation 3965904 (VCV003965904.1).

ClinVar aggregate classification (germline): Pathogenic (1 of 4 stars; one submission).

Conditions:
Hereditary cancer-predisposing syndrome. Also called: Neoplastic Syndromes, Hereditary; Tumor predisposition; Hereditary Cancer Syndrome; Hereditary neoplastic syndrome. Identifiers: Orphanet 140162, MedGen C0027672, MeSH D009386, MONDO:0015356.

Submission:

Ambry Genetics
Classification: Pathogenic for Hereditary cancer-predisposing syndrome. Last evaluated: 2025-04-01. Review status: criteria provided, single submitter. Criteria: Ambry Variant Classification Scheme 2023. Collection method: clinical testing. Allele origin: germline.
Comment: The c.6583_6584dupCA pathogenic mutation, located in coding exon 45 of the ATM gene, results from a duplication of CA at nucleotide positions 6583 to 6584, causing a translational frameshift with a predicted alternate stop codon (p.R2196Ifs*40). This variant is considered to be rare based on population cohorts in the Genome Aggregation Database (gnomAD). This alteration is expected to result in loss of function by premature protein truncation or nonsense-mediated mRNA decay. As such, this alteration is interpreted as a disease-causing mutation.